The following is an entry in ClinVar:

ClinVar aggregate classification (germline): Uncertain significance (1 of 4 stars; one submission).

Conditions:
Hereditary cancer-predisposing syndrome. Also called: Hereditary Cancer Syndrome; Neoplastic Syndromes, Hereditary; Tumor predisposition; Hereditary neoplastic syndrome. Identifiers: Orphanet 140162, MedGen C0027672, MeSH D009386, MONDO:0015356.

gnomAD v4.1: 1 of 1,613,858 alleles (0.000062%); highest among the groups gnomAD compares: Non-Finnish European, 0.000085%; no homozygotes.

Submission:

Ambry Genetics
Classification: Uncertain significance for Hereditary cancer-predisposing syndrome. Last evaluated: 2025-10-23. Review status: criteria provided, single submitter. Criteria: Ambry Variant Classification Scheme 2023. Collection method: clinical testing. Allele origin: germline.
Comment: The p.M2224R variant (also known as c.6671T>G), located in coding exon 45 of the ATM gene, results from a T to G substitution at nucleotide position 6671. The methionine at codon 2224 is replaced by arginine, an amino acid with similar properties. This amino acid position is conserved. In addition, this alteration is predicted to be deleterious by in silico analysis. Based on the available evidence, the clinical significance of this variant remains unclear.

NM_000051.4(ATM):c.6671T>G (p.Met2224Arg)

Genes: ATM (ATM serine/threonine kinase; plus strand), C11orf65 (chromosome 11 open reading frame 65; minus strand). Cytogenetic location: 11q22.3.
Variant type: single nucleotide variant.
Coding change: c.6671T>G on transcript NM_000051.4 (MANE Select); coding-DNA position 6671, T replaced by G.
Protein change: p.Met2224Arg; replaces methionine 2224 with arginine.
Molecular consequence: missense variant. On other transcripts: intron variant (2).
Genome position (GRCh38, 1-based): chr11:108,325,408, T>G. VCF-style: chr11-108325408-T-G. GRCh37 (hg19) VCF-style: chr11-108196135-T-G.
Other names: c.6671T>G, p.Met2224Arg (NM_001351834.2); c.641-16337A>C (NM_001330368.2); c.*38+9812A>C (NM_001351110.2); short protein forms M2224R.
Identifiers: ClinVar variation 4617925 (VCV004617925.1).